The following is an entry in ClinVar:

ClinVar aggregate classification (germline): Uncertain significance (1 of 4 stars; one submission).

Conditions:
Hereditary cancer-predisposing syndrome. Also called: Neoplastic Syndromes, Hereditary; Tumor predisposition; Hereditary neoplastic syndrome; Hereditary Cancer Syndrome. Identifiers: Orphanet 140162, MedGen C0027672, MeSH D009386, MONDO:0015356.

Submission:

Ambry Genetics
Classification: Uncertain significance for Hereditary cancer-predisposing syndrome. Last evaluated: 2022-11-06. Review status: criteria provided, single submitter. Criteria: Ambry Variant Classification Scheme 2023. Collection method: clinical testing. Allele origin: germline.
Comment: The p.D196A variant (also known as c.587A>C), located in coding exon 6 of the BMPR1A gene, results from an A to C substitution at nucleotide position 587. The aspartic acid at codon 196 is replaced by alanine, an amino acid with dissimilar properties. This amino acid position is conserved. In addition, the in silico prediction for this alteration is inconclusive. Since supporting evidence is limited at this time, the clinical significance of this alteration remains unclear.

NM_004329.3(BMPR1A):c.587A>C (p.Asp196Ala)

Gene: BMPR1A (bone morphogenetic protein receptor type 1A; plus strand). Cytogenetic location: 10q23.2.
Variant type: single nucleotide variant.
Coding change: c.587A>C on transcript NM_004329.3 (MANE Select); coding-DNA position 587, A replaced by C.
Protein change: p.Asp196Ala; replaces aspartic acid 196 with alanine.
Molecular consequence: missense variant. On other transcripts: non-coding transcript variant (3), intron variant (1).
Genome position (GRCh38, 1-based): chr10:86,912,296, A>C. VCF-style: chr10-86912296-A-C. GRCh37 (hg19) VCF-style: chr10-88672053-A-C.
Other names: c.662A>C, p.Asp221Ala (NM_001406559.1); c.635A>C, p.Asp212Ala (NM_001406560.1); c.587A>C, p.Asp196Ala (NM_001406561.1, NM_001406562.1, NM_001406563.1 and 20 more transcripts); c.503A>C, p.Asp168Ala (NM_001406584.1, NM_001406585.1, NM_001406586.1 and 2 more transcripts); c.334-4838A>C (NM_001406589.1); short protein forms D221A, D212A, D168A, D196A.
Identifiers: ClinVar variation 2450266 (VCV002450266.2), dbSNP rs141608069, ClinGen allele CA377454598.